The following is an entry in ClinVar:

ClinVar aggregate classification (germline): Uncertain significance. Review status: criteria provided, multiple submitters, no conflicts (2 of 4 stars). 2 submissions from 2 submitters: Uncertain significance (2). Last evaluated 2026-03-19.

Conditions:
Hereditary cancer-predisposing syndrome. Also called: Tumor predisposition; Neoplastic Syndromes, Hereditary; Hereditary neoplastic syndrome; Hereditary Cancer Syndrome. Identifiers: Orphanet 140162, MedGen C0027672, MeSH D009386, MONDO:0015356.
Gastrointestinal stromal tumor. Also called: Gastrointestinal stromal tumor, somatic; Gastrointestinal stroma tumor. Identifiers: Orphanet 44890, MedGen C0238198, MeSH D046152, MONDO:0011719, OMIM 606764, HP:0100723.

Allele frequency attached by ClinVar (database versions not stated): gnomAD exomes below 0.00001.
gnomAD v4.1: 1 of 1,613,838 alleles (0.000062%); highest among the groups gnomAD compares: East Asian, 0.0022%; no homozygotes.

Submissions (2):

Ambry Genetics
Classification: Uncertain significance for Hereditary cancer-predisposing syndrome. Last evaluated: 2026-03-19. Review status: criteria provided, single submitter. Criteria: Ambry Variant Classification Scheme 2023. Collection method: clinical testing. Allele origin: germline.
Comment: The p.V301I variant (also known as c.901G>A), located in coding exon 5 of the KIT gene, results from a G to A substitution at nucleotide position 901. The valine at codon 301 is replaced by isoleucine, an amino acid with highly similar properties. This amino acid position is well conserved in available vertebrate species. In addition, this alteration is predicted to be tolerated by in silico analysis. Based on the available evidence, the clinical significance of this variant remains unclear.

Labcorp Genetics (formerly Invitae), Labcorp
Classification: Uncertain significance for Gastrointestinal stromal tumor. Last evaluated: 2024-04-22. Review status: criteria provided, single submitter. Criteria: Invitae Variant Classification Sherloc (09022015). Collection method: clinical testing. Allele origin: germline.
Comment: This sequence change replaces valine, which is neutral and non-polar, with isoleucine, which is neutral and non-polar, at codon 301 of the KIT protein (p.Val301Ile). This variant is not present in population databases (gnomAD no frequency). This variant has not been reported in the literature in individuals affected with KIT-related conditions. ClinVar contains an entry for this variant (Variation ID: 1044225). An algorithm developed to predict the effect of missense changes on protein structure and function (PolyPhen-2) suggests that this variant is likely to be tolerated. In summary, the available evidence is currently insufficient to determine the role of this variant in disease. Therefore, it has been classified as a Variant of Uncertain Significance.

NM_000222.3(KIT):c.901G>A (p.Val301Ile)

Gene: KIT (KIT proto-oncogene, receptor tyrosine kinase; plus strand). Cytogenetic location: 4q12.
Variant type: single nucleotide variant.
Coding change: c.901G>A on transcript NM_000222.3 (MANE Select); coding-DNA position 901, G replaced by A.
Protein change: p.Val301Ile; replaces valine 301 with isoleucine.
Molecular consequence: missense variant.
Genome position (GRCh38, 1-based): chr4:54,703,868, G>A. VCF-style: chr4-54703868-G-A. GRCh37 (hg19) VCF-style: chr4-55570034-G-A.
Other names: c.901G>A (NM_000222.2); c.901G>A, p.Val301Ile (NM_001093772.2, NM_001385285.1, NM_001385286.1); c.904G>A, p.Val302Ile (NM_001385284.1, NM_001385288.1, NM_001385290.1 and 1 more transcripts); short protein forms V302I, V301I.
Identifiers: ClinVar variation 1044225 (VCV001044225.10), dbSNP rs1720613744, ClinGen allele CA356900117.